The following is an entry in ClinVar:

NM_019066.5(MAGEL2):c.1240C>A (p.Pro414Thr)

Gene: MAGEL2 (MAGE family member L2; minus strand). Cytogenetic location: 15q11.2.
Variant type: single nucleotide variant.
Coding change: c.1240C>A on transcript NM_019066.5 (MANE Select); coding-DNA position 1240, C replaced by A.
Protein change: p.Pro414Thr; replaces proline 414 with threonine.
Molecular consequence: missense variant.
Genome position (GRCh38, 1-based): chr15:23,646,503, G>T on the plus strand (C>A on the coding strand, the complement: MAGEL2 is on the minus strand). VCF-style: chr15-23646503-G-T. GRCh37 (hg19) VCF-style: chr15-23891650-G-T.
Other names: short protein forms P414T.
Identifiers: ClinVar variation 3600719 (VCV003600719.2).

ClinVar aggregate classification (germline): Uncertain significance (1 of 4 stars; one submission).

Submission:

GeneDx
Classification: Uncertain significance. Last evaluated: 2025-02-13. Review status: criteria provided, single submitter. Criteria: GeneDx Variant Classification Process June 2021. Collection method: clinical testing. Allele origin: germline. Affected: yes.
Comment: Not observed at significant frequency in large population cohorts (gnomAD); Has not been previously published as pathogenic or benign to our knowledge; In-silico analysis is inconclusive as to whether the variant impacts protein structure/function. In the absence of functional studies, the actual effect of this sequence change is unknown